The following is an entry in ClinVar:

NM_000426.4(LAMA2):c.2023A>G (p.Met675Val)

Gene: LAMA2 (laminin subunit alpha 2; plus strand). Cytogenetic location: 6q22.33.
Variant type: single nucleotide variant.
Coding change: c.2023A>G on transcript NM_000426.4 (MANE Select); coding-DNA position 2023, A replaced by G.
Protein change: p.Met675Val; replaces methionine 675 with valine.
Molecular consequence: missense variant.
Genome position (GRCh38, 1-based): chr6:129,252,222, A>G. VCF-style: chr6-129252222-A-G. GRCh37 (hg19) VCF-style: chr6-129573367-A-G.
Other names: c.2023A>G, p.Met675Val (NM_001079823.2); short protein forms M675V.
Identifiers: ClinVar variation 2119136 (VCV002119136.4), dbSNP rs1356659188, ClinGen allele CA365610484.

ClinVar aggregate classification (germline): Uncertain significance (1 of 4 stars; one submission).

Conditions:
LAMA2-related muscular dystrophy (LAMA2-RD). Also called: Laminin alpha 2-related dystrophy. Identifiers: MedGen C5679788, MONDO:0100228.

Submission:

Labcorp Genetics (formerly Invitae), Labcorp
Classification: Uncertain significance for LAMA2-related muscular dystrophy. Last evaluated: 2022-07-20. Review status: criteria provided, single submitter. Criteria: Invitae Variant Classification Sherloc (09022015). Collection method: clinical testing. Allele origin: germline.
Comment: In summary, the available evidence is currently insufficient to determine the role of this variant in disease. Therefore, it has been classified as a Variant of Uncertain Significance. Advanced modeling of protein sequence and biophysical properties (such as structural, functional, and spatial information, amino acid conservation, physicochemical variation, residue mobility, and thermodynamic stability) performed at Invitae indicates that this missense variant is not expected to disrupt LAMA2 protein function. This variant has not been reported in the literature in individuals affected with LAMA2-related conditions. This variant is not present in population databases (gnomAD no frequency). This sequence change replaces methionine, which is neutral and non-polar, with valine, which is neutral and non-polar, at codon 675 of the LAMA2 protein (p.Met675Val).